The following is an entry in ClinVar:

ClinVar aggregate classification (germline): Uncertain significance (1 of 4 stars; one submission).

gnomAD v4.1: 3 of 1,614,198 alleles (0.00019%); highest among the groups gnomAD compares: African/African-American, 0.004%; no homozygotes.

Submission:

Women's Health and Genetics/Laboratory Corporation of America, LabCorp
Classification: Uncertain significance. Last evaluated: 2024-08-07. Review status: criteria provided, single submitter. Criteria: LabCorp Variant Classification Summary - May 2015. Collection method: clinical testing. Allele origin: germline.
Comment: Variant summary: PSEN1 c.298A>C (p.Ile100Leu) results in a conservative amino acid change in the encoded protein sequence. Four of five in-silico tools predict a damaging effect of the variant on protein function. The variant was absent in 251454 control chromosomes. The available data on variant occurrences in the general population are insufficient to allow any conclusion about variant significance. To our knowledge, no occurrence of c.298A>C in individuals affected with Alzheimer Disease, Type 3 and no experimental evidence demonstrating its impact on protein function have been reported. No submitters have cited clinical-significance assessments for this variant to ClinVar. Based on the evidence outlined above, the variant was classified as uncertain significance.

NM_000021.4(PSEN1):c.298A>C (p.Ile100Leu)

Gene: PSEN1 (presenilin 1; plus strand). Cytogenetic location: 14q24.2.
Variant type: single nucleotide variant.
Coding change: c.298A>C on transcript NM_000021.4 (MANE Select); coding-DNA position 298, A replaced by C.
Protein change: p.Ile100Leu; replaces isoleucine 100 with leucine.
Molecular consequence: missense variant.
Genome position (GRCh38, 1-based): chr14:73,171,007, A>C. VCF-style: chr14-73171007-A-C. GRCh37 (hg19) VCF-style: chr14-73637715-A-C.
Other names: c.286A>C, p.Ile96Leu (NM_007318.3); short protein forms I100L, I96L.
Identifiers: ClinVar variation 3366418 (VCV003366418.1).